The following is an entry in ClinVar:

NM_018124.4(RFWD3):c.205del (p.Leu69fs)

Gene: RFWD3 (ring finger and WD repeat domain 3; minus strand). Cytogenetic location: 16q23.1.
Variant type: Deletion.
Coding change: c.205del on transcript NM_018124.4 (MANE Select); coding-DNA position 205, one base deleted (C; older notation c.205delC).
Protein change: p.Leu69fs; shifts the reading frame from leucine 69.
Molecular consequence: frameshift variant. On other transcripts: 5 prime UTR variant (4), intron variant (1).
Genome position (GRCh38, 1-based): chr16:74,661,245, G deleted on the plus strand (C on the coding strand, the reverse complement: RFWD3 is on the minus strand); the first of 4 consecutive G bases (chr16:74,661,245-74,661,248); deleting any one gives the same sequence. VCF-style (leftmost placement, unchanged base first): chr16-74661244-AG-A. GRCh37 (hg19) VCF-style: chr16-74695142-AG-A.
Other names: c.205del, p.Leu69fs (NM_001370534.1, NM_001370535.1, NM_001370536.1); c.-804del (NM_001370537.1); c.-427del (NM_001370539.1); c.-681del (NM_001370542.1); c.-559del (NM_001370543.1); c.-317+3379del (NM_001370540.1); short protein forms L69fs.
Identifiers: ClinVar variation 4880121 (VCV004880121.1).

ClinVar aggregate classification (germline): Likely pathogenic (1 of 4 stars; one submission).

Conditions:
Primary ciliary dyskinesia. Also called: Ciliary dyskinesia. Identifiers: Orphanet 244, MedGen C0008780, MONDO:0016575, HP:0012265.

Submission:

Department of Human Genetics, Hannover Medical School
Classification: Likely pathogenic for Primary Ciliary Dyskinesia. Last evaluated: 2026-04-01. Review status: criteria provided, single submitter. Criteria: ACMG Guidelines, 2015. Collection method: research. Allele origin: germline. Affected: no.
Comment: Classification performed by HerediClassify using the following criteria:['PM2_supporting: Variant occures does not occur as homozygous in gnomAD.', 'PVS1_protein_very_strong: Transcript ENST00000361070 is predicted to undergo NMD.']